The following is an entry in ClinVar:

NM_006086.4(TUBB3):c.604A>C (p.Ile202Leu)

Gene: TUBB3 (tubulin beta 3 class III; plus strand). Cytogenetic location: 16q24.3.
Variant type: single nucleotide variant.
Coding change: c.604A>C on transcript NM_006086.4 (MANE Select); coding-DNA position 604, A replaced by C.
Protein change: p.Ile202Leu; replaces isoleucine 202 with leucine.
Molecular consequence: missense variant.
Genome position (GRCh38, 1-based): chr16:89,935,055, A>C. VCF-style: chr16-89935055-A-C. GRCh37 (hg19) VCF-style: chr16-90001463-A-C.
Other names: c.388A>C, p.Ile130Leu (NM_001197181.2); short protein forms I202L, I130L.
Identifiers: ClinVar variation 5009411 (VCV005009411.1).

ClinVar aggregate classification (germline): Uncertain significance (1 of 4 stars; one submission).

Submission:

GeneDx
Classification: Uncertain significance. Last evaluated: 2026-03-18. Review status: criteria provided, single submitter. Criteria: GeneDx Variant Classification Process June 2021. Collection method: clinical testing. Allele origin: germline.
Comment: Not observed at significant frequency in large population cohorts (gnomAD); Missense variants in this gene are a common cause of disease and they are underrepresented in the general population; In silico analysis suggests that this missense variant does not alter protein structure/function; Has not been previously published as pathogenic or benign to our knowledge; This variant is associated with the following publications: (PMID: 20829227)